The following is an entry in ClinVar:

NM_004612.4(TGFBR1):c.1456T>C (p.Leu486=)

Gene: TGFBR1 (transforming growth factor beta receptor 1; plus strand). Cytogenetic location: 9q22.33.
Variant type: single nucleotide variant.
Coding change: c.1456T>C on transcript NM_004612.4 (MANE Select); coding-DNA position 1456, T replaced by C.
Protein change: p.Leu486=; no amino-acid change (leucine 486 retained).
Molecular consequence: synonymous variant.
Genome position (GRCh38, 1-based): chr9:99,149,249, T>C. VCF-style: chr9-99149249-T-C. GRCh37 (hg19) VCF-style: chr9-101911531-T-C.
Other names: c.1225T>C, p.Leu409= (NM_001130916.3); c.1468T>C, p.Leu490= (NM_001306210.2).
Identifiers: ClinVar variation 921022 (VCV000921022.11), dbSNP rs111818778, ClinGen allele CA040980.

ClinVar aggregate classification (germline): Likely benign. Review status: criteria provided, multiple submitters, no conflicts (2 of 4 stars). 3 submissions from 3 submitters: Likely benign (3). Last evaluated 2025-11-03.

Conditions:
Familial thoracic aortic aneurysm and aortic dissection (TAAD). Also called: Thoracic aortic aneurysms and dissections. Identifiers: Orphanet 91387, MedGen C4707243, MONDO:0019625.
Loeys-Dietz syndrome (LDS). Identifiers: Orphanet 60030, MedGen C2697932, MONDO:0018954.

Allele frequency attached by ClinVar (database versions not stated): gnomAD exomes below 0.00001; ExAC 0.00001.
gnomAD v4.1: 2 of 1,613,882 alleles (0.00012%); highest among the groups gnomAD compares: South Asian, 0.0022%; no homozygotes.

Submissions (3):

Labcorp Genetics (formerly Invitae), Labcorp
Classification: Likely benign for Familial thoracic aortic aneurysm and aortic dissection. Last evaluated: 2025-11-03. Review status: criteria provided, single submitter. Criteria: Invitae Variant Classification Sherloc (09022015). Collection method: clinical testing. Allele origin: germline.

All of Us Research Program, National Institutes of Health
Classification: Likely benign for Loeys-Dietz syndrome. Last evaluated: 2023-12-01. Review status: criteria provided, single submitter. Criteria: ACMG Guidelines, 2015. Collection method: clinical testing. Allele origin: germline. Inheritance: Autosomal dominant inheritance. Observed: 1 variant allele, 1 heterozygote.
Comment: This study involves interpretation of variants in research participants for the purpose of population health screening. Participant phenotype was not available at the time of variant classification. Additional details can be found in publication PMID: 35346344, PMCID: PMC8962531

Color Diagnostics, LLC DBA Color Health
Classification: Likely benign for Familial thoracic aortic aneurysm and aortic dissection. Last evaluated: 2019-02-01. Review status: criteria provided, single submitter. Criteria: ACMG Guidelines, 2015. Collection method: clinical testing. Allele origin: germline.